The following is an entry in ClinVar:

ClinVar aggregate classification (germline): Likely benign (0 of 4 stars; one submission).

Conditions:
COL4A2-related disorder. Also called: COL4A2-related disorders; COL4A2-related condition.

Submission:

PreventionGenetics, part of Exact Sciences
Classification: Likely benign for COL4A2-related condition. Last evaluated: 2023-03-31. Review status: no assertion criteria provided. Collection method: clinical testing. Allele origin: germline.
Comment: This variant is classified as likely benign based on ACMG/AMP sequence variant interpretation guidelines (Richards et al. 2015 PMID: 25741868, with internal and published modifications).

NM_001846.4(COL4A2):c.5097C>T (p.Arg1699=)

Gene: COL4A2 (collagen type IV alpha 2 chain; plus strand). Cytogenetic location: 13q34.
Variant type: single nucleotide variant.
Coding change: c.5097C>T on transcript NM_001846.4 (MANE Select); coding-DNA position 5097, C replaced by T.
Protein change: p.Arg1699=; no amino-acid change (arginine 1699 retained).
Molecular consequence: synonymous variant.
Genome position (GRCh38, 1-based): chr13:110,512,149, C>T. VCF-style: chr13-110512149-C-T. GRCh37 (hg19) VCF-style: chr13-111164496-C-T.
Identifiers: ClinVar variation 3047545 (VCV003047545.2), dbSNP rs2502226665, ClinGen allele CA484981607.